The following is an entry in ClinVar:

ClinVar aggregate classification (germline): Benign. Review status: criteria provided, multiple submitters, no conflicts (2 of 4 stars). 3 submissions from 3 submitters: Benign (3). Last evaluated 2026-09-01.

Allele frequency attached by ClinVar (database versions not stated): 1000 Genomes Project 0.00619; 1000 Genomes Project 30x 0.00640; gnomAD 0.00859 and 0.00887; TOPMed 0.00861; gnomAD exomes 0.00880 and 0.01271; ESP Exome Variant Server 0.00969; ExAC 0.01016.
gnomAD v4.1: 19,908 of 1,613,654 alleles (1.2%); highest among the groups gnomAD compares: Non-Finnish European, 1.5%; 169 homozygotes.

Submissions (3):

CeGaT Center for Human Genetics Tuebingen
Classification: Benign. Last evaluated: 2026-09-01. Review status: criteria provided, single submitter. Criteria: CeGaT Center For Human Genetics Tuebingen Variant Classification Criteria Version 2. Collection method: clinical testing. Allele origin: germline. Affected: yes. Observed: 29 variant alleles.
Comment: EPRS1: BP4, BS1, BS2

Labcorp Genetics (formerly Invitae), Labcorp
Classification: Benign. Last evaluated: 2026-01-19. Review status: criteria provided, single submitter. Criteria: Invitae Variant Classification Sherloc (09022015). Collection method: clinical testing. Allele origin: germline.

Breakthrough Genomics
Classification: Benign. Review status: criteria provided, single submitter. Criteria: ACMG Guidelines, 2015. Collection method: not provided. Allele origin: germline. Inheritance: Autosomal recessive inheritance. Affected: yes.

NM_004446.3(EPRS1):c.2738A>G (p.Glu913Gly)

Gene: EPRS1 (glutamyl-prolyl-tRNA synthetase 1; minus strand). Cytogenetic location: 1q41.
Variant type: single nucleotide variant.
Coding change: c.2738A>G on transcript NM_004446.3 (MANE Select); coding-DNA position 2738, A replaced by G.
Protein change: p.Glu913Gly; replaces glutamic acid 913 with glycine.
Molecular consequence: missense variant.
Genome position (GRCh38, 1-based): chr1:219,988,627, T>C on the plus strand (A>G on the coding strand, the complement: EPRS1 is on the minus strand). VCF-style: chr1-219988627-T-C. GRCh37 (hg19) VCF-style: chr1-220161969-T-C.
Other names: short protein forms E913G.
Identifiers: ClinVar variation 1166327 (VCV001166327.40), dbSNP rs2230302, ClinGen allele CA1399901.
Genomic context (GRCh38, chr1:219,988,627, plus strand): 5'-TATAAACAAAATAACACACTAACCTTAGGGGCTTTTTCAGTTTTAAGTTTCCGAACTACT[T>C]CCCCTTGAGAAGCTACTTTGTCAAAAAGTACTTTCGCTTCTGGTGTTTCTAAACCAGCAG-3'
Protein context (NP_004437.2, residues 903-923): VLFDKVASQG[Glu913Gly]VVRKLKTEKA